The following is an entry in ClinVar:

ClinVar aggregate classification (germline): Uncertain significance (1 of 4 stars; one submission).

gnomAD v4.1: 7 of 1,612,936 alleles (0.00043%); highest among the groups gnomAD compares: Non-Finnish European, 0.00051%; no homozygotes.

Submission:

Labcorp Genetics (formerly Invitae), Labcorp
Classification: Uncertain significance. Last evaluated: 2025-11-18. Review status: criteria provided, single submitter. Criteria: Invitae Variant Classification Sherloc (09022015). Collection method: clinical testing. Allele origin: germline.
Comment: This sequence change replaces valine, which is neutral and non-polar, with leucine, which is neutral and non-polar, at codon 52 of the PFN1 protein (p.Val52Leu). This variant is present in population databases (no rsID available, gnomAD 0.007%). This variant has not been reported in the literature in individuals affected with PFN1-related conditions. An algorithm developed to predict the effect of missense changes on protein structure and function outputs the following: PolyPhen-2: "Benign". The leucine amino acid residue is found in multiple mammalian species, which suggests that this missense change does not adversely affect protein function. In summary, the available evidence is currently insufficient to determine the role of this variant in disease. Therefore, it has been classified as a Variant of Uncertain Significance.

NM_005022.4(PFN1):c.154G>C (p.Val52Leu)

Gene: PFN1 (profilin 1; minus strand). Cytogenetic location: 17p13.2.
Variant type: single nucleotide variant.
Coding change: c.154G>C on transcript NM_005022.4 (MANE Select); coding-DNA position 154, G replaced by C.
Protein change: p.Val52Leu; replaces valine 52 with leucine.
Molecular consequence: missense variant.
Genome position (GRCh38, 1-based): chr17:4,946,799, C>G on the plus strand (G>C on the coding strand, the complement: PFN1 is on the minus strand). VCF-style: chr17-4946799-C-G. GRCh37 (hg19) VCF-style: chr17-4850094-C-G.
Other names: c.154G>C, p.Val52Leu (NM_001375991.1); short protein forms V52L.
Identifiers: ClinVar variation 4705266 (VCV004705266.1).